The following is an entry in ClinVar:

ClinVar aggregate classification (germline): Uncertain significance. Review status: criteria provided, multiple submitters, no conflicts (2 of 4 stars). 2 submissions from 2 submitters: Uncertain significance (2). Last evaluated 2026-07-06.

Conditions:
Hereditary cancer-predisposing syndrome. Also called: Neoplastic Syndromes, Hereditary; Hereditary neoplastic syndrome; Hereditary Cancer Syndrome; Tumor predisposition. Identifiers: Orphanet 140162, MedGen C0027672, MeSH D009386, MONDO:0015356.

Submissions (2):

Ambry Genetics
Classification: Uncertain significance for Hereditary cancer-predisposing syndrome. Last evaluated: 2026-07-06. Review status: criteria provided, single submitter. Criteria: Ambry Variant Classification Scheme 2023. Collection method: clinical testing. Allele origin: germline.
Comment: The p.C515R variant (also known as c.1543T>C), located in coding exon 11 of the PMS2 gene, results from a T to C substitution at nucleotide position 1543. The cysteine at codon 515 is replaced by arginine, an amino acid with highly dissimilar properties. This amino acid position is conserved. In addition, this alteration is predicted to be tolerated by in silico analysis. Based on the available evidence, the clinical significance of this variant remains unclear.

Quest Diagnostics Nichols Institute San Juan Capistrano
Classification: Uncertain significance. Last evaluated: 2017-06-13. Review status: criteria provided, single submitter. Criteria: Quest Diagnostics criteria. Collection method: clinical testing. Allele origin: germline.

NM_000535.7(PMS2):c.1543T>C (p.Cys515Arg)

Gene: PMS2 (PMS1 homolog 2, mismatch repair system component; minus strand). Cytogenetic location: 7p22.1.
Variant type: single nucleotide variant.
Coding change: c.1543T>C on transcript NM_000535.7 (MANE Select); coding-DNA position 1543, T replaced by C.
Protein change: p.Cys515Arg; replaces cysteine 515 with arginine.
Molecular consequence: missense variant. On other transcripts: non-coding transcript variant (1).
Genome position (GRCh38, 1-based): chr7:5,987,222, A>G on the plus strand (T>C on the coding strand, the complement: PMS2 is on the minus strand). VCF-style: chr7-5987222-A-G. GRCh37 (hg19) VCF-style: chr7-6026853-A-G.
Other names: c.1138T>C, p.Cys380Arg (NM_001322003.2, NM_001322004.2, NM_001322005.2 and 1 more transcripts); c.1387T>C, p.Cys463Arg (NM_001322006.2); c.1225T>C, p.Cys409Arg (NM_001322007.2, NM_001322008.2); c.1543T>C (NM_000535.5); c.610T>C, p.Cys204Arg (NM_001322012.2, NM_001322011.2); c.970T>C, p.Cys324Arg (NM_001322013.2); c.1543T>C, p.Cys515Arg (NM_001322014.2); c.1234T>C, p.Cys412Arg (NM_001322015.2); and 1 more; short protein forms C515R, C412R, C204R, C324R, C328R, C463R, C380R, C409R.
Identifiers: ClinVar variation 439240 (VCV000439240.3), dbSNP rs1554297603, ClinGen allele CA366741626.